The following is an entry in ClinVar:

ClinVar aggregate classification (germline): Uncertain significance (1 of 4 stars; one submission).

Submission:

Ambry Genetics
Classification: Uncertain significance. Last evaluated: 2024-12-15. Review status: criteria provided, single submitter. Criteria: Ambry Variant Classification Scheme 2023. Collection method: clinical testing. Allele origin: germline.
Comment: The p.C1153W variant (also known as c.3459T>G), located in coding exon 14 of the WNK2 gene, results from a T to G substitution at nucleotide position 3459. The cysteine at codon 1153 is replaced by tryptophan, an amino acid with highly dissimilar properties. This amino acid position is conserved. In addition, this alteration is predicted to be tolerated by in silico analysis. Based on the available evidence, the clinical significance of this variant remains unclear.

NM_006648.4(WNK2):c.3459T>G (p.Cys1153Trp)

Gene: WNK2 (WNK lysine deficient protein kinase 2; plus strand). Cytogenetic location: 9q22.31.
Variant type: single nucleotide variant.
Coding change: c.3459T>G on transcript NM_006648.4 (MANE Select); coding-DNA position 3459, T replaced by G.
Protein change: p.Cys1153Trp; replaces cysteine 1153 with tryptophan.
Molecular consequence: missense variant.
Genome position (GRCh38, 1-based): chr9:93,263,614, T>G. VCF-style: chr9-93263614-T-G. GRCh37 (hg19) VCF-style: chr9-96025896-T-G.
Other names: c.3459T>G, p.Cys1153Trp (NM_001282394.3); short protein forms C1153W.
Identifiers: ClinVar variation 3816478 (VCV003816478.1).